The following is an entry in ClinVar:

NM_022788.5(P2RY12):c.118C>T (p.Leu40Phe)

Genes: P2RY12 (purinergic receptor P2Y12; minus strand), MED12L (mediator complex subunit 12L; plus strand). Cytogenetic location: 3q25.1.
Variant type: single nucleotide variant.
Coding change: c.118C>T on transcript NM_022788.5 (MANE Select); coding-DNA position 118, C replaced by T.
Protein change: p.Leu40Phe; replaces leucine 40 with phenylalanine.
Molecular consequence: missense variant. On other transcripts: intron variant (2).
Genome position (GRCh38, 1-based): chr3:151,338,728, G>A on the plus strand (C>T on the coding strand, the complement: P2RY12 is on the minus strand). VCF-style: chr3-151338728-G-A. GRCh37 (hg19) VCF-style: chr3-151056516-G-A.
Other names: c.118C>T, p.Leu40Phe (NM_176876.3); c.2251-11331G>A (NM_001393769.1); c.2146-11331G>A (NM_053002.6); short protein forms L40F.
Identifiers: ClinVar variation 2589774 (VCV002589774.3), dbSNP rs1439180705, ClinGen allele CA354983682.

ClinVar aggregate classification (germline): Uncertain significance. Review status: criteria provided, multiple submitters, no conflicts (2 of 4 stars). 2 submissions from 2 submitters: Uncertain significance (2). Last evaluated 2025-07-29.

gnomAD v4.1: 6 of 1,613,054 alleles (0.00037%); highest among the groups gnomAD compares: East Asian, 0.0067%; no homozygotes.

Submissions (2):

Labcorp Genetics (formerly Invitae), Labcorp
Classification: Uncertain significance. Last evaluated: 2025-07-29. Review status: criteria provided, single submitter. Criteria: Invitae Variant Classification Sherloc (09022015). Collection method: clinical testing. Allele origin: germline.
Comment: This sequence change replaces leucine, which is neutral and non-polar, with phenylalanine, which is neutral and non-polar, at codon 40 of the P2RY12 protein (p.Leu40Phe). This variant is not present in population databases (gnomAD no frequency). This variant has not been reported in the literature in individuals affected with P2RY12-related conditions. ClinVar contains an entry for this variant (Variation ID: 2589774). An algorithm developed to predict the effect of missense changes on protein structure and function (PolyPhen-2) suggests that this variant is likely to be tolerated. In summary, the available evidence is currently insufficient to determine the role of this variant in disease. Therefore, it has been classified as a Variant of Uncertain Significance.

Ambry Genetics
Classification: Uncertain significance. Last evaluated: 2023-08-22. Review status: criteria provided, single submitter. Criteria: Ambry Variant Classification Scheme 2023. Collection method: clinical testing. Allele origin: germline.